The following is an entry in ClinVar:

NM_004655.4(AXIN2):c.612A>T (p.Gly204=)

Gene: AXIN2 (axin 2; minus strand). Cytogenetic location: 17q24.1.
Variant type: single nucleotide variant.
Coding change: c.612A>T on transcript NM_004655.4 (MANE Select); coding-DNA position 612, A replaced by T.
Protein change: p.Gly204=; no amino-acid change (glycine 204 retained).
Molecular consequence: synonymous variant.
Genome position (GRCh38, 1-based): chr17:65,558,009, T>A on the plus strand (A>T on the coding strand, the complement: AXIN2 is on the minus strand). VCF-style: chr17-65558009-T-A. GRCh37 (hg19) VCF-style: chr17-63554127-T-A.
Other names: c.612A>T, p.Gly204= (NM_001363813.1).
Identifiers: ClinVar variation 748125 (VCV000748125.9), dbSNP rs1598119292, ClinGen allele CA501691621.

ClinVar aggregate classification (germline): Benign/Likely benign. Review status: criteria provided, multiple submitters, no conflicts (2 of 4 stars). 2 submissions from 2 submitters: Benign (1); Likely benign (1). Last evaluated 2024-06-27.

Conditions:
Oligodontia-cancer predisposition syndrome. Also called: TOOTH AGENESIS-COLORECTAL CANCER SYNDROME. Identifiers: Orphanet 300576, MedGen C1837750, MONDO:0012075, OMIM 608615. Disease mechanism: loss of function.

Submissions (2):

Myriad Genetics, Inc.
Classification: Benign for Oligodontia-cancer predisposition syndrome. Last evaluated: 2024-06-27. Review status: criteria provided, single submitter. Criteria: Myriad Autosomal Dominant, Autosomal Recessive and X-Linked Classification Criteria (2023). Collection method: clinical testing. Allele origin: unknown.
Comment: This variant is considered benign. This variant is a silent/synonymous amino acid change and it is not expected to impact splicing.

Labcorp Genetics (formerly Invitae), Labcorp
Classification: Likely benign for Oligodontia-cancer predisposition syndrome. Last evaluated: 2024-01-24. Review status: criteria provided, single submitter. Criteria: Invitae Variant Classification Sherloc (09022015). Collection method: clinical testing. Allele origin: germline.